The following is an entry in ClinVar:

NM_000258.3(MYL3):c.521C>T (p.Ala174Val)

Gene: MYL3 (myosin light chain 3; minus strand). Cytogenetic location: 3p21.31.
Variant type: single nucleotide variant.
Coding change: c.521C>T on transcript NM_000258.3 (MANE Select); coding-DNA position 521, C replaced by T.
Protein change: p.Ala174Val; replaces alanine 174 with valine.
Molecular consequence: missense variant.
Genome position (GRCh38, 1-based): chr3:46,858,422, G>A on the plus strand (C>T on the coding strand, the complement: MYL3 is on the minus strand). VCF-style: chr3-46858422-G-A. GRCh37 (hg19) VCF-style: chr3-46899912-G-A.
Other names: short protein forms A174V.
Identifiers: ClinVar variation 629442 (VCV000629442.3), dbSNP rs763216044, ClinGen allele CA044662.

ClinVar aggregate classification (germline): Uncertain significance (1 of 4 stars; one submission).

Conditions:
Cardiomyopathy (CMYO). Also called: Cardiomyopathies. Identifiers: Orphanet 167848, MedGen C0878544, MONDO:0004994, HP:0001638. Inheritance: Various modes of inheritance.

Allele frequency attached by ClinVar (database versions not stated): ExAC 0.00001; gnomAD exomes 0.00001.
gnomAD v4.1: 15 of 1,613,936 alleles (0.00093%); highest among the groups gnomAD compares: South Asian, 0.016%; no homozygotes.

Submission:

Color Diagnostics, LLC DBA Color Health
Classification: Uncertain significance for Cardiomyopathy. Last evaluated: 2024-12-23. Review status: criteria provided, single submitter. Criteria: ACMG Guidelines, 2015. Collection method: clinical testing. Allele origin: germline.
Comment: This missense variant replaces alanine with valine at codon 174 of the MYL3 protein. Computational prediction suggests that this variant may not impact protein structure and function. To our knowledge, functional studies have not been reported for this variant. This variant has not been reported in individuals affected with MYL3-related disorders in the literature. This variant has been identified in 2/251094 chromosomes in the general population by the Genome Aggregation Database (gnomAD). The available evidence is insufficient to determine the role of this variant in disease conclusively. Therefore, this variant is classified as a Variant of Uncertain Significance.